The following is an entry in ClinVar:

ClinVar aggregate classification (germline): Benign/Likely benign. Review status: criteria provided, multiple submitters, no conflicts (2 of 4 stars). 3 submissions from 3 submitters: Benign (1); Likely benign (2). Last evaluated 2025-05-19.

Conditions:
Tuberous sclerosis 2 (TSC2). Identifiers: Orphanet 805, MedGen C1860707, MONDO:0013199, OMIM 613254.
Hereditary cancer-predisposing syndrome. Also called: Neoplastic Syndromes, Hereditary; Hereditary Cancer Syndrome; Hereditary neoplastic syndrome; Tumor predisposition. Identifiers: Orphanet 140162, MedGen C0027672, MeSH D009386, MONDO:0015356.

gnomAD v4.1: 6 of 1,613,660 alleles (0.00037%); highest among the groups gnomAD compares: East Asian, 0.0022%; no homozygotes.

Submissions (3):

Myriad Genetics, Inc.
Classification: Benign for Tuberous sclerosis 2. Last evaluated: 2025-05-19. Review status: criteria provided, single submitter. Criteria: Myriad Autosomal Dominant, Autosomal Recessive and X-Linked Classification Criteria (2023). Collection method: clinical testing. Allele origin: unknown.
Comment: This variant is considered benign. This variant is a silent/synonymous amino acid change and it is not expected to impact splicing.

Labcorp Genetics (formerly Invitae), Labcorp
Classification: Likely benign for Tuberous sclerosis 2. Last evaluated: 2024-02-07. Review status: criteria provided, single submitter. Criteria: Invitae Variant Classification Sherloc (09022015). Collection method: clinical testing. Allele origin: germline.

Ambry Genetics
Classification: Likely benign for Hereditary cancer-predisposing syndrome. Last evaluated: 2020-10-13. Review status: criteria provided, single submitter. Criteria: Ambry Variant Classification Scheme 2023. Collection method: clinical testing. Allele origin: germline.

NM_000548.5(TSC2):c.2274C>T (p.Ser758=)

Gene: TSC2 (TSC complex subunit 2; plus strand). Cytogenetic location: 16p13.3.
Variant type: single nucleotide variant.
Coding change: c.2274C>T on transcript NM_000548.5 (MANE Select); coding-DNA position 2274, C replaced by T.
Protein change: p.Ser758=; no amino-acid change (serine 758 retained).
Molecular consequence: synonymous variant.
Genome position (GRCh38, 1-based): chr16:2,072,902, C>T. VCF-style: chr16-2072902-C-T. GRCh37 (hg19) VCF-style: chr16-2122903-C-T.
Other names: c.2274C>T, p.Ser758= (NM_001077183.3, NM_001114382.3, NM_001363528.2 and 3 more transcripts); c.2163C>T, p.Ser721= (NM_001318827.2); c.2127C>T, p.Ser709= (NM_001318829.2); c.1674C>T, p.Ser558= (NM_001318831.2); c.2307C>T, p.Ser769= (NM_001318832.2).
Identifiers: ClinVar variation 1119487 (VCV001119487.12), dbSNP rs2151327344, ClinGen allele CA492952506.
Genomic context (GRCh38, chr16:2,072,902, plus strand): 5'-TCATCAGCTTTCAGGCCCAAAGACACTGGAGCGGCTCCGAGGCGCCCCAGAAGGCTTCTC[C>T]AGAACTGACTTGCACCTGGCCGTGGTTCCAGTGCTGACAGCATTAATCTCTTACCATAAC-3'
Protein context (NP_000539.2, residues 748-768): ERLRGAPEGF[Ser758=]RTDLHLAVVP